The following is an entry in ClinVar:

ClinVar aggregate classification (germline): Pathogenic (1 of 4 stars; one submission).

Submission:

Labcorp Genetics (formerly Invitae), Labcorp
Classification: Pathogenic. Last evaluated: 2025-10-19. Review status: criteria provided, single submitter. Criteria: Invitae Variant Classification Sherloc (09022015). Collection method: clinical testing. Allele origin: germline.
Comment: This sequence change creates a premature translational stop signal (p.Leu329Alafs*158) in the RUNX2 gene. While this is not anticipated to result in nonsense mediated decay, it is expected to disrupt the last 193 amino acid(s) of the RUNX2 protein. This variant is not present in population databases (gnomAD no frequency). This variant has not been reported in the literature in individuals affected with RUNX2-related conditions. This variant disrupts a region of the RUNX2 protein in which other variant(s) (p.Gly462*) have been determined to be pathogenic (PMID: 28703881; internal data). This suggests that this is a clinically significant region of the protein, and that variants that disrupt it are likely to be disease-causing. For these reasons, this variant has been classified as Pathogenic.

Literature cited by the submitters: PubMed 28703881.

NM_001024630.4(RUNX2):c.977_984dup (p.Leu329fs)

Gene: RUNX2 (RUNX family transcription factor 2; plus strand). Cytogenetic location: 6p21.1.
Variant type: Duplication.
Coding change: c.977_984dup on transcript NM_001024630.4 (MANE Select); coding-DNA positions 977 to 984, 8 bases duplicated (GCACTGGG; older notation c.977_984dupGCACTGGG).
Protein change: p.Leu329fs; shifts the reading frame from leucine 329.
Molecular consequence: frameshift variant.
Genome position (GRCh38, 1-based): chr6:45,512,363-45,512,370, GCACTGGG duplicated; duplicating any 8 consecutive bases within chr6:45,512,360-45,512,370 gives the same sequence; the c. name uses the placement nearest the transcript's 3' end. VCF-style (leftmost placement, unchanged base first): chr6-45512359-C-CGGGGCACT. GRCh37 (hg19) VCF-style: chr6-45480096-C-CGGGGCACT.
Other names: c.977_984dup, p.Leu329fs (NM_001015051.4); c.935_942dup, p.Leu315fs (NM_001278478.2, NM_001369405.1); short protein forms L315fs, L329fs.
Identifiers: ClinVar variation 4729453 (VCV004729453.1).